The following is an entry in ClinVar:

ClinVar aggregate classification (germline): Likely pathogenic (1 of 4 stars; one submission).

Conditions:
Perlman syndrome (PRLMNS). Identifiers: Orphanet 2849, MedGen C0796113, MONDO:0009965, OMIM 267000.

Submission:

Labcorp Genetics (formerly Invitae), Labcorp
Classification: Likely pathogenic for Perlman syndrome. Last evaluated: 2023-08-29. Review status: criteria provided, single submitter. Criteria: Invitae Variant Classification Sherloc (09022015). Collection method: clinical testing. Allele origin: unknown.
Comment: In summary, the currently available evidence indicates that the variant is pathogenic, but additional data are needed to prove that conclusively. Therefore, this variant has been classified as Likely Pathogenic. This variant has not been reported in the literature in individuals affected with DIS3L2-related conditions. This variant results in the deletion of part of exon 6 (c.367-3580_502del) of the DIS3L2 gene. It is expected to disrupt RNA splicing. Variants that disrupt the donor or acceptor splice site typically lead to a loss of protein function (PMID: 16199547), and loss-of-function variants in DIS3L2 are known to be pathogenic (PMID: 22306653, 28328139).

Literature cited by the submitters: PubMed 16199547; PubMed 22306653; PubMed 28328139.

NC_000002.11:g.(?_232948617)_(232952332_?)del

Gene: DIS3L2 (DIS3 like 3'-5' exoribonuclease 2; plus strand). Cytogenetic location: 2q37.1.
Variant type: Deletion.
Identifiers: ClinVar variation 3247217 (VCV003247217.1).